The following is an entry in ClinVar:

NM_000023.4(SGCA):c.85dup (p.His29fs)

Gene: SGCA (sarcoglycan alpha; plus strand). Cytogenetic location: 17q21.33.
Variant type: Duplication.
Coding change: c.85dup on transcript NM_000023.4 (MANE Select); coding-DNA position 85, one base duplicated (C; older notation c.85dupC).
Protein change: p.His29fs; shifts the reading frame from histidine 29.
Molecular consequence: frameshift variant. On other transcripts: non-coding transcript variant (1).
Genome position (GRCh38, 1-based): chr17:50,167,415, C duplicated. VCF-style (leftmost placement, unchanged base first): chr17-50167414-A-AC. GRCh37 (hg19) VCF-style: chr17-48244775-A-AC.
Other names: c.85dup, p.His29fs (NM_001135697.3); c.85dupC (NM_000023.3); short protein forms H29fs.
Identifiers: ClinVar variation 2445910 (VCV002445910.2), dbSNP rs2509117903, ClinGen allele CA2580094127.

ClinVar aggregate classification (germline): Pathogenic/Likely pathogenic. Review status: criteria provided, multiple submitters, no conflicts (2 of 4 stars). 2 submissions from 2 submitters: Pathogenic (1); Likely pathogenic (1). Last evaluated 2025-03-08.

Conditions:
Autosomal recessive limb-girdle muscular dystrophy. Identifiers: Orphanet 102015, MedGen C2931907, MONDO:0015152.
Autosomal recessive limb-girdle muscular dystrophy type 2D (LGMDR3). Also called: DUCHENNE-LIKE AUTOSOMAL RECESSIVE MUSCULAR DYSTROPHY, TYPE 2; MUSCULAR DYSTROPHY, LIMB-GIRDLE, AUTOSOMAL RECESSIVE 3; ADHALINOPATHY, PRIMARY. Identifiers: Orphanet 62, MedGen C2936332, MONDO:0011968, OMIM 608099. Disease mechanism: Affects gamma-sarcoglycan and also disrupts the integrity of the entire sarcoglycan complex..

Submissions (2):

Myriad Genetics, Inc.
Classification: Pathogenic for Autosomal recessive limb-girdle muscular dystrophy type 2D. Last evaluated: 2025-03-08. Review status: criteria provided, single submitter. Criteria: Myriad Autosomal Dominant, Autosomal Recessive and X-Linked Classification Criteria (2023). Collection method: clinical testing. Allele origin: unknown.
Comment: NM_000023.2(SGCA):c.85dupC(H29Pfs*15) is expected to be pathogenic in the context of alpha-sarcoglycanopathy. This variant is predicted to lead to an abnormal or absent protein product due to the creation of a premature termination codon in SGCA, a gene where loss-of-function variants are known to be pathogenic. Please note: this variant was assessed in the context of healthy population screening.

Women's Health and Genetics/Laboratory Corporation of America, LabCorp
Classification: Likely pathogenic for Autosomal recessive limb-girdle muscular dystrophy. Last evaluated: 2023-02-20. Review status: criteria provided, single submitter. Criteria: LabCorp Variant Classification Summary - May 2015. Collection method: clinical testing. Allele origin: germline.
Comment: Variant summary: SGCA c.85dupC (p.His29ProfsX15) results in a premature termination codon, predicted to cause a truncation of the encoded protein or absence of the protein due to nonsense mediated decay, which are commonly known mechanisms for disease. Truncations downstream of this position have been classified as pathogenic by our laboratory. The variant was absent in 251428 control chromosomes. To our knowledge, no occurrence of c.85dupC in individuals affected with Limb-Girdle Muscular Dystrophy, Autosomal Recessive and no experimental evidence demonstrating its impact on protein function have been reported. No clinical diagnostic laboratories have submitted clinical-significance assessments for this variant to ClinVar after 2014. Based on the evidence outlined above, the variant was classified as likely pathogenic.